The following is an entry in ClinVar:

NM_000222.3(KIT):c.2597-5C>G

Gene: KIT (KIT proto-oncogene, receptor tyrosine kinase; plus strand). Cytogenetic location: 4q12.
Variant type: single nucleotide variant.
Coding change: c.2597-5C>G on transcript NM_000222.3 (MANE Select); 5 bases into the intron before coding-DNA position 2597, C replaced by G.
Molecular consequence: intron variant.
Genome position (GRCh38, 1-based): chr4:54,736,716, C>G. VCF-style: chr4-54736716-C-G. GRCh37 (hg19) VCF-style: chr4-55602882-C-G.
Other names: c.2600-5C>G (NM_001385284.1); c.2597-5C>G (NM_001385290.1); c.2588-5C>G (NM_001385288.1); c.2585-5C>G (NM_001385292.1, NM_001093772.2); c.2594-5C>G (NM_001385285.1); c.2582-5C>G (NM_001385286.1).
Identifiers: ClinVar variation 821461 (VCV000821461.11), dbSNP rs1348501567, ClinGen allele CA796356320.

ClinVar aggregate classification (germline): Uncertain significance. Review status: criteria provided, multiple submitters, no conflicts (2 of 4 stars). 2 submissions from 2 submitters: Uncertain significance (2). Last evaluated 2026-02-12.

Conditions:
Hereditary cancer-predisposing syndrome. Also called: Neoplastic Syndromes, Hereditary; Hereditary Cancer Syndrome; Hereditary neoplastic syndrome; Tumor predisposition. Identifiers: Orphanet 140162, MedGen C0027672, MeSH D009386, MONDO:0015356.
Gastrointestinal stromal tumor. Also called: Gastrointestinal stromal tumor, somatic; Gastrointestinal stroma tumor. Identifiers: Orphanet 44890, MedGen C0238198, MeSH D046152, MONDO:0011719, OMIM 606764, HP:0100723.

Allele frequency attached by ClinVar (database versions not stated): gnomAD exomes below 0.00001; gnomAD 0.00001; TOPMed 0.00001.
gnomAD v4.1: 3 of 1,613,288 alleles (0.00019%); highest among the groups gnomAD compares: Non-Finnish European, 0.00025%; no homozygotes.

Submissions (2):

Ambry Genetics
Classification: Uncertain significance for Hereditary cancer-predisposing syndrome. Last evaluated: 2026-02-12. Review status: criteria provided, single submitter. Criteria: Ambry Variant Classification Scheme 2023. Collection method: clinical testing. Allele origin: germline.
Comment: The c.2597-5C>G intronic variant results from a C to G substitution 5 nucleotides upstream from coding exon 19 in the KIT gene. This nucleotide position is not well conserved in available vertebrate species. In silico splice site analysis predicts that this alteration may weaken the native splice acceptor site. Based on the available evidence, the clinical significance of this variant remains unclear.

Labcorp Genetics (formerly Invitae), Labcorp
Classification: Uncertain significance for Gastrointestinal stromal tumor. Last evaluated: 2023-05-25. Review status: criteria provided, single submitter. Criteria: Invitae Variant Classification Sherloc (09022015). Collection method: clinical testing. Allele origin: germline.
Comment: This variant is not present in population databases (gnomAD no frequency). In summary, the available evidence is currently insufficient to determine the role of this variant in disease. Therefore, it has been classified as a Variant of Uncertain Significance. Algorithms developed to predict the effect of sequence changes on RNA splicing suggest that this variant may disrupt the consensus splice site. ClinVar contains an entry for this variant (Variation ID: 821461). This variant has not been reported in the literature in individuals affected with KIT-related conditions. This sequence change falls in intron 18 of the KIT gene. It does not directly change the encoded amino acid sequence of the KIT protein.